The following is an entry in ClinVar:

ClinVar aggregate classification (germline): Benign. Review status: criteria provided, multiple submitters, no conflicts (2 of 4 stars). 2 submissions from 2 submitters: Benign (2). Last evaluated 2018-01-13.

Conditions:
Acyl-CoA oxidase deficiency. Also called: STRAIGHT-CHAIN ACYL-CoA OXIDASE DEFICIENCY; Pseudoneonatal adrenoleukodystrophy; Peroxisomal acyl-CoA oxidase deficiency. Identifiers: Orphanet 2971, MedGen C1849678, MONDO:0009919, OMIM 264470. Disease mechanism: loss of function.

Allele frequency attached by ClinVar (database versions not stated): gnomAD exomes 0.13462; gnomAD 0.21088 and 0.21826; TOPMed 0.22826; 1000 Genomes Project 0.23442; 1000 Genomes Project 30x 0.24469.
gnomAD v4.1: 31,882 of 152,278 alleles (21%); highest among the groups gnomAD compares: African/African-American, 55%; 6,785 homozygotes.

Submissions (2):

Illumina Laboratory Services, Illumina
Classification: Benign for Acyl-CoA oxidase deficiency. Last evaluated: 2018-01-13. Review status: criteria provided, single submitter. Criteria: ICSL Variant Classification Criteria 13 December 2019. Collection method: clinical testing. Allele origin: germline.
Comment: This variant was observed in the ICSL laboratory as part of a predisposition screen in an ostensibly healthy population. It had not been previously curated by ICSL or reported in the Human Gene Mutation Database (HGMD: prior to June 1st, 2018), and was therefore a candidate for classification through an automated scoring system. Utilizing variant allele frequency, disease prevalence and penetrance estimates, and inheritance mode, an automated score was calculated to assess if this variant is too frequent to cause the disease. Based on the score and internal cut-off values, a variant classified as benign is not then subjected to further curation. The score for this variant resulted in a classification of benign for this disease.

Breakthrough Genomics
Classification: Benign. Review status: criteria provided, single submitter. Criteria: ACMG Guidelines, 2015. Collection method: not provided. Allele origin: germline. Inheritance: Autosomal recessive inheritance. Affected: yes.

NM_004035.7(ACOX1):c.*5164A>G

Gene: ACOX1 (acyl-CoA oxidase 1; minus strand). Cytogenetic location: 17q25.1.
Variant type: single nucleotide variant.
Coding change: c.*5164A>G on transcript NM_004035.7 (MANE Select); 5164 bases downstream of the stop codon, A replaced by G.
Molecular consequence: 3 prime UTR variant.
Genome position (GRCh38, 1-based): chr17:75,941,584, T>C on the plus strand (A>G on the coding strand, the complement: ACOX1 is on the minus strand). VCF-style: chr17-75941584-T-C. GRCh37 (hg19) VCF-style: chr17-73937665-T-C.
Other names: c.*5164A>G (NM_001185039.2, NM_007292.6).
Identifiers: ClinVar variation 325292 (VCV000325292.6), dbSNP rs3643, ClinGen allele CA10646817.